The following is an entry in ClinVar:

NM_001042472.3(ABHD12):c.1170dup (p.Lys391fs)

Gene: ABHD12 (abhydrolase domain containing 12, lysophospholipase; minus strand). Cytogenetic location: 20p11.21.
Variant type: Duplication.
Coding change: c.1170dup on transcript NM_001042472.3 (MANE Select); coding-DNA position 1170, one base duplicated (G; older notation c.1170dupG).
Protein change: p.Lys391fs; shifts the reading frame from lysine 391.
Molecular consequence: frameshift variant. On other transcripts: intron variant (1).
Genome position (GRCh38, 1-based): chr20:25,300,872, C duplicated on the plus strand (G on the coding strand, the reverse complement: ABHD12 is on the minus strand); the first of 4 consecutive C bases (chr20:25,300,872-25,300,875); duplicating any one gives the same sequence. VCF-style (leftmost placement, unchanged base first): chr20-25300871-T-TC. GRCh37 (hg19) VCF-style: chr20-25281507-T-TC.
Other names: c.1157+1347dup (NM_015600.5); c.1170dupG (NM_001042472.3); short protein forms K391fs.
Identifiers: ClinVar variation 3339092 (VCV003339092.2).

ClinVar aggregate classification (germline): Uncertain significance. Review status: criteria provided, multiple submitters, no conflicts (2 of 4 stars). 2 submissions from 2 submitters: Uncertain significance (2). Last evaluated 2024-07-30.

Submissions (2):

Women's Health and Genetics/Laboratory Corporation of America, LabCorp
Classification: Uncertain significance. Last evaluated: 2024-07-30. Review status: criteria provided, single submitter. Criteria: LabCorp Variant Classification Summary - May 2015. Collection method: clinical testing. Allele origin: germline.
Comment: Variant summary: ABHD12 c.1170dupG (p.Lys391GlufsX5) results in a premature termination codon, predicted to cause a truncation of the encoded protein, and no downtream pathogenic variants have been reported in ClinVar or at our lab. The variant allele was found at a frequency of 3.6e-05 in 249108 control chromosomes. The available data on variant occurrences in the general population are insufficient to allow any conclusion about variant significance. To our knowledge, no occurrence of c.1170dupG in individuals affected with PHARC Syndrome and no experimental evidence demonstrating its impact on protein function have been reported. No submitters have cited clinical-significance assessments for this variant to ClinVar. Based on the evidence outlined above, the variant was classified as uncertain significance.

Blueprint Genetics
Classification: Uncertain significance. Last evaluated: 2024-06-21. Review status: criteria provided, single submitter. Criteria: ACMG Guidelines, 2015. Collection method: clinical testing. Allele origin: germline.